The following is an entry in ClinVar:

NM_025137.4(SPG11):c.2669G>T (p.Arg890Leu)

Gene: SPG11 (SPG11 vesicle trafficking associated, spatacsin; minus strand). Cytogenetic location: 15q21.1.
Variant type: single nucleotide variant.
Coding change: c.2669G>T on transcript NM_025137.4 (MANE Select); coding-DNA position 2669, G replaced by T.
Protein change: p.Arg890Leu; replaces arginine 890 with leucine.
Molecular consequence: missense variant.
Genome position (GRCh38, 1-based): chr15:44,620,355, C>A on the plus strand (G>T on the coding strand, the complement: SPG11 is on the minus strand). VCF-style: chr15-44620355-C-A. GRCh37 (hg19) VCF-style: chr15-44912553-C-A.
Other names: c.2669G>T, p.Arg890Leu (NM_001160227.2); short protein forms R890L.
Identifiers: ClinVar variation 850755 (VCV000850755.7), dbSNP rs376143651, ClinGen allele CA7535162.

ClinVar aggregate classification (germline): Uncertain significance (1 of 4 stars; one submission).

Conditions:
Hereditary spastic paraplegia 11. Also called: Nakamura Osame syndrome; Autosomal recessive hereditary spastic paraplegia, mental impairment, and thin corpus callosum; SPASTIC PARAPLEGIA, AUTOSOMAL RECESSIVE, COMPLICATED, WITH THIN CORPUS CALLOSUM; SPASTIC PARAPLEGIA, AUTOSOMAL RECESSIVE, WITH MENTAL IMPAIRMENT AND THIN CORPUS CALLOSUM; Spastic paraplegia, mental retardation and thin corpus callosum; Spastic Paraplegia 11. Identifiers: Orphanet 2822, MedGen C1858479, MONDO:0011445, OMIM 604360.

Allele frequency attached by ClinVar (database versions not stated): TOPMed 0.00002.
gnomAD v4.1: 11 of 1,613,754 alleles (0.00068%); highest among the groups gnomAD compares: Middle Eastern, 0.033%; no homozygotes.

Submission:

Labcorp Genetics (formerly Invitae), Labcorp
Classification: Uncertain significance for Hereditary spastic paraplegia 11. Last evaluated: 2021-09-01. Review status: criteria provided, single submitter. Criteria: Invitae Variant Classification Sherloc (09022015). Collection method: clinical testing. Allele origin: germline.
Comment: This sequence change replaces arginine with leucine at codon 890 of the SPG11 protein (p.Arg890Leu). The arginine residue is moderately conserved and there is a moderate physicochemical difference between arginine and leucine. This variant is present in population databases (rs376143651, ExAC 0.009%). This variant has not been reported in the literature in individuals affected with SPG11-related conditions. ClinVar contains an entry for this variant (Variation ID: 850755). Algorithms developed to predict the effect of missense changes on protein structure and function are either unavailable or do not agree on the potential impact of this missense change (SIFT: "Tolerated"; PolyPhen-2: "Possibly Damaging"; Align-GVGD: "Class C0"). In summary, the available evidence is currently insufficient to determine the role of this variant in disease. Therefore, it has been classified as a Variant of Uncertain Significance.